The following is an entry in ClinVar:

ClinVar aggregate classification (germline): Uncertain significance/Uncertain risk allele. Review status: criteria provided, multiple submitters, no conflicts (2 of 4 stars). 6 submissions from 6 submitters: Uncertain significance (5); Uncertain risk allele (1). Last evaluated 2026-02-24.

Conditions:
Diabetic retinopathy. Identifiers: MedGen C0011884, MONDO:0005266.
Loeys-Dietz syndrome 2 (LDS2). Also called: TGFBR2-Related Loeys-Dietz Syndrome; AORTIC ANEURYSM, FAMILIAL THORACIC 3; MARFAN SYNDROME, TYPE II; Marfan syndrome, type 2 (formerly); Marfan Syndrome type 2; Marfan like connective tissue disorder. Identifiers: Orphanet 284973, Orphanet 558, MedGen C2674574, MONDO:0012427, OMIM 610168.
Familial thoracic aortic aneurysm and aortic dissection (TAAD). Also called: Thoracic aortic aneurysms and dissections. Identifiers: Orphanet 91387, MedGen C4707243, MONDO:0019625.

Allele frequency attached by ClinVar (database versions not stated): gnomAD exomes below 0.00001; TOPMed below 0.00001; gnomAD 0.00001.
gnomAD v4.1: 4 of 1,600,340 alleles (0.00025%); highest among the groups gnomAD compares: Non-Finnish European, 0.00034%; no homozygotes.

Submissions (6):

GeneDx
Classification: Uncertain significance. Last evaluated: 2026-02-24. Review status: criteria provided, single submitter. Criteria: GeneDx Variant Classification Process June 2021. Collection method: clinical testing. Allele origin: germline.
Comment: Has not been previously published as pathogenic or benign to our knowledge; Not observed at significant frequency in large population cohorts (gnomAD); In silico analysis suggests that this missense variant does not alter protein structure/function

Color Diagnostics, LLC DBA Color Health
Classification: Uncertain significance for Familial thoracic aortic aneurysm and aortic dissection. Last evaluated: 2024-03-06. Review status: criteria provided, single submitter. Criteria: ACMG Guidelines, 2015. Collection method: clinical testing. Allele origin: germline.
Comment: This missense variant replaces valine with phenylalanine at codon 15 of the TGFBR2 protein. Computational prediction indicates that this variant may have a neutral impact on protein structure and function. To our knowledge, functional studies have not been reported for this variant. This variant has not been reported in individuals affected with TGFBR2-related disorders in the literature. This variant has not been identified in the general population by the Genome Aggregation Database (gnomAD). The available evidence is insufficient to determine the role of this variant in disease conclusively. Therefore, this variant is classified as a Variant of Uncertain Significance.

All of Us Research Program, National Institutes of Health
Classification: Uncertain significance for Loeys-Dietz syndrome 2. Last evaluated: 2023-12-18. Review status: criteria provided, single submitter. Criteria: ACMG Guidelines, 2015. Collection method: clinical testing. Allele origin: germline. Inheritance: Autosomal dominant inheritance. Observed: 3 variant alleles, 3 heterozygotes.
Comment: This missense variant replaces valine with phenylalanine at codon 15 of the TGFBR2 protein. Computational prediction suggests that this variant may not impact protein structure and function (internally defined REVEL score threshold <= 0.5, PMID: 27666373). To our knowledge, functional studies have not been reported for this variant. This variant has not been reported in individuals affected with cardiovascular disorders in the literature. This variant has not been identified in the general population by the Genome Aggregation Database (gnomAD). The available evidence is insufficient to determine the role of this variant in disease conclusively. Therefore, this variant is classified as a Variant of Uncertain Significance.

This study involves interpretation of variants in research participants for the purpose of population health screening. Participant phenotype was not available at the time of variant classification. Additional details can be found in publication PMID: 35346344, PMCID: PMC8962531

Labcorp Genetics (formerly Invitae), Labcorp
Classification: Uncertain significance for Familial thoracic aortic aneurysm and aortic dissection. Last evaluated: 2023-12-05. Review status: criteria provided, single submitter. Criteria: Invitae Variant Classification Sherloc (09022015). Collection method: clinical testing. Allele origin: germline.
Comment: This sequence change replaces valine, which is neutral and non-polar, with phenylalanine, which is neutral and non-polar, at codon 15 of the TGFBR2 protein (p.Val15Phe). The frequency data for this variant in the population databases is considered unreliable, as metrics indicate poor data quality at this position in the gnomAD database. This variant has not been reported in the literature in individuals affected with TGFBR2-related conditions. ClinVar contains an entry for this variant (Variation ID: 629715). Advanced modeling of protein sequence and biophysical properties (such as structural, functional, and spatial information, amino acid conservation, physicochemical variation, residue mobility, and thermodynamic stability) performed at Invitae indicates that this missense variant is not expected to disrupt TGFBR2 protein function with a negative predictive value of 95%. In summary, the available evidence is currently insufficient to determine the role of this variant in disease. Therefore, it has been classified as a Variant of Uncertain Significance.

Ambry Genetics
Classification: Uncertain significance for Familial thoracic aortic aneurysm and aortic dissection. Last evaluated: 2023-11-01. Review status: criteria provided, single submitter. Criteria: Ambry Variant Classification Scheme 2023. Collection method: clinical testing. Allele origin: germline.
Comment: The p.V15F variant (also known as c.43G>T), located in coding exon 1 of the TGFBR2 gene, results from a G to T substitution at nucleotide position 43. The valine at codon 15 is replaced by phenylalanine, an amino acid with highly similar properties. This amino acid position is conserved. In addition, the in silico prediction for this alteration is inconclusive. Since supporting evidence is limited at this time, the clinical significance of this alteration remains unclear.

Clinical Genomics, Uppaluri K&H Personalized Medicine Clinic
Classification: Uncertain risk allele for Diabetic retinopathy. Review status: criteria provided, single submitter. Criteria: K And H Uppaluri Personalized Medicine Clinic Variant Classification And Assertion Criteria Updated V 2. Collection method: research. Allele origin: unknown.
Comment: Potent mutations in TGFBR2 gene encodes the transforming growth factor that have been associated with angiogenesis and diabetic retinopathy. More clinical studies are needed for stronger association. However, more evidence is required to confer the association of this particular variant rs1182907194 with diabetic retinopathy.

Literature cited by the submitters: PubMed 30222965 (cited by Clinical Genomics, Uppaluri K&H Personalized Medicine Clinic); PubMed 28162229 (cited by Clinical Genomics, Uppaluri K&H Personalized Medicine Clinic); PubMed 34572573 (cited by Clinical Genomics, Uppaluri K&H Personalized Medicine Clinic).

NM_003242.6(TGFBR2):c.43G>T (p.Val15Phe)

Gene: TGFBR2 (transforming growth factor beta receptor 2; plus strand). Cytogenetic location: 3p24.1.
Variant type: single nucleotide variant.
Coding change: c.43G>T on transcript NM_003242.6 (MANE Select); coding-DNA position 43, G replaced by T.
Protein change: p.Val15Phe; replaces valine 15 with phenylalanine.
Molecular consequence: missense variant.
Genome position (GRCh38, 1-based): chr3:30,606,926, G>T. VCF-style: chr3-30606926-G-T. GRCh37 (hg19) VCF-style: chr3-30648418-G-T.
Other names: c.43G>T (NM_003242.5); c.43G>T, p.Val15Phe (NM_001024847.3, NM_001407126.1, NM_001407127.1 and 4 more transcripts); c.-241G>T (NM_001407133.1); c.-119G>T (NM_001407134.1); c.-166G>T (NM_001407135.1); c.-251G>T (NM_001407136.1); short protein forms V15F.
Identifiers: ClinVar variation 629715 (VCV000629715.14), dbSNP rs1182907194, ClinGen allele CA351830539.